The following is an entry in ClinVar:

ClinVar aggregate classification (germline): Uncertain significance (1 of 4 stars; one submission).

Conditions:
Inborn genetic diseases. Identifiers: MedGen C0950123, MeSH D030342.

Submission:

Ambry Genetics
Classification: Uncertain significance for Inborn genetic diseases. Last evaluated: 2025-08-31. Review status: criteria provided, single submitter. Criteria: Ambry Variant Classification Scheme 2023. Collection method: clinical testing. Allele origin: germline.
Comment: The p.T366I variant (also known as c.1097C>T), located in coding exon 9 of the CEP57 gene, results from a C to T substitution at nucleotide position 1097. The threonine at codon 366 is replaced by isoleucine, an amino acid with similar properties. This amino acid position is conserved. In addition, the in silico prediction for this alteration is inconclusive. Based on the available evidence, the clinical significance of this variant remains unclear.

NM_014679.5(CEP57):c.1097C>T (p.Thr366Ile)

Gene: CEP57 (centrosomal protein 57; plus strand). Cytogenetic location: 11q21.
Variant type: single nucleotide variant.
Coding change: c.1097C>T on transcript NM_014679.5 (MANE Select); coding-DNA position 1097, C replaced by T.
Protein change: p.Thr366Ile; replaces threonine 366 with isoleucine.
Molecular consequence: missense variant.
Genome position (GRCh38, 1-based): chr11:95,827,997, C>T. VCF-style: chr11-95827997-C-T. GRCh37 (hg19) VCF-style: chr11-95561161-C-T.
Other names: c.1070C>T, p.Thr357Ile (NM_001243776.2); c.1019C>T, p.Thr340Ile (NM_001243777.2); c.1016C>T, p.Thr339Ile (NM_001363604.2, NM_001440869.1, NM_001440870.1); c.989C>T, p.Thr330Ile (NM_001440871.1); c.980C>T, p.Thr327Ile (NM_001440872.1); c.917C>T, p.Thr306Ile (NM_001440873.1); c.911C>T, p.Thr304Ile (NM_001440874.1); c.908C>T, p.Thr303Ile (NM_001440875.1); and 6 more; short protein forms T279I, T291I, T339I, T267I, T303I, T306I, T340I, T366I.
Identifiers: ClinVar variation 4226396 (VCV004226396.1).